The following is an entry in ClinVar:

ClinVar aggregate classification (germline): Uncertain significance (1 of 4 stars; one submission).

Conditions:
Landau-Kleffner syndrome (FESD). Also called: EPILEPSY, FOCAL, WITH SPEECH DISORDER AND WITH OR WITHOUT MENTAL RETARDATION; APHASIA, ACQUIRED, WITH EPILEPSY. Identifiers: Orphanet 1945, Orphanet 725, Orphanet 98818, MedGen C0282512, MONDO:0009509, OMIM 245570.

Submission:

Labcorp Genetics (formerly Invitae), Labcorp
Classification: Uncertain significance for Landau-Kleffner syndrome. Last evaluated: 2025-11-27. Review status: criteria provided, single submitter. Criteria: Invitae Variant Classification Sherloc (09022015). Collection method: clinical testing. Allele origin: germline.
Comment: This sequence change replaces aspartic acid, which is acidic and polar, with glutamic acid, which is acidic and polar, at codon 660 of the GRIN2A protein (p.Asp660Glu). This variant is not present in population databases (gnomAD no frequency). This variant has not been reported in the literature in individuals affected with GRIN2A-related conditions. Invitae Evidence Modeling of protein sequence and biophysical properties (such as structural, functional, and spatial information, amino acid conservation, physicochemical variation, residue mobility, and thermodynamic stability) has been performed for this missense variant. However, the output from this modeling did not meet the statistical confidence thresholds required to predict the impact of this variant on GRIN2A protein function. In summary, the available evidence is currently insufficient to determine the role of this variant in disease. Therefore, it has been classified as a Variant of Uncertain Significance.

NM_001134407.3(GRIN2A):c.1980C>G (p.Asp660Glu)

Gene: GRIN2A (glutamate ionotropic receptor NMDA type subunit 2A; minus strand). Cytogenetic location: 16p13.2.
Variant type: single nucleotide variant.
Coding change: c.1980C>G on transcript NM_001134407.3 (MANE Select); coding-DNA position 1980, C replaced by G.
Protein change: p.Asp660Glu; replaces aspartic acid 660 with glutamic acid.
Molecular consequence: missense variant.
Genome position (GRCh38, 1-based): chr16:9,829,450, G>C on the plus strand (C>G on the coding strand, the complement: GRIN2A is on the minus strand). VCF-style: chr16-9829450-G-C. GRCh37 (hg19) VCF-style: chr16-9923307-G-C.
Other names: c.1980C>G, p.Asp660Glu (NM_000833.5, NM_001134408.2); short protein forms D660E.
Identifiers: ClinVar variation 4745841 (VCV004745841.1).